The following is an entry in ClinVar:

ClinVar aggregate classification (germline): Benign. Review status: criteria provided, multiple submitters, no conflicts (2 of 4 stars). 2 submissions from 2 submitters: Benign (2). Last evaluated 2018-01-12.

Conditions:
Lathosterolosis. Also called: SC5D DEFICIENCY; STEROL C5-DESATURASE DEFICIENCY. Identifiers: Orphanet 46059, MedGen C1846421, MONDO:0011816, OMIM 607330.

Allele frequency attached by ClinVar (database versions not stated): gnomAD exomes 0.01613; gnomAD 0.07530 and 0.07568; TOPMed 0.08006; 1000 Genomes Project 0.08307; 1000 Genomes Project 30x 0.08573.

Submissions (2):

Illumina Laboratory Services, Illumina
Classification: Benign for Lathosterolosis. Last evaluated: 2018-01-12. Review status: criteria provided, single submitter. Criteria: ICSL Variant Classification Criteria 13 December 2019. Collection method: clinical testing. Allele origin: germline.
Comment: This variant was observed in the ICSL laboratory as part of a predisposition screen in an ostensibly healthy population. It had not been previously curated by ICSL or reported in the Human Gene Mutation Database (HGMD: prior to June 1st, 2018), and was therefore a candidate for classification through an automated scoring system. Utilizing variant allele frequency, disease prevalence and penetrance estimates, and inheritance mode, an automated score was calculated to assess if this variant is too frequent to cause the disease. Based on the score and internal cut-off values, a variant classified as benign is not then subjected to further curation. The score for this variant resulted in a classification of benign for this disease.

Breakthrough Genomics
Classification: Benign. Review status: criteria provided, single submitter. Criteria: ACMG Guidelines, 2015. Collection method: not provided. Allele origin: germline. Inheritance: Autosomal recessive inheritance. Affected: yes.

NM_006918.5(SC5D):c.*1328C>T

Gene: SC5D (sterol-C5-desaturase; plus strand). Cytogenetic location: 11q24.1.
Variant type: single nucleotide variant.
Coding change: c.*1328C>T on transcript NM_006918.5 (MANE Select); 1328 bases downstream of the stop codon, C replaced by T.
Molecular consequence: 3 prime UTR variant.
Genome position (GRCh38, 1-based): chr11:121,308,840, C>T. VCF-style: chr11-121308840-C-T. GRCh37 (hg19) VCF-style: chr11-121179549-C-T.
Other names: c.*1328C>T (NM_001024956.3).
Identifiers: ClinVar variation 303069 (VCV000303069.6), dbSNP rs7942396, ClinGen allele CA10633836.